The following is an entry in ClinVar:

ClinVar aggregate classification (germline): Likely benign (0 of 4 stars; one submission).

Conditions:
PMFBP1-related disorder. Also called: PMFBP1-related condition.

Allele frequency attached by ClinVar (database versions not stated): gnomAD 0.00003; gnomAD exomes 0.00003; ExAC 0.00005; TOPMed 0.00014.
gnomAD v4.1: 47 of 1,613,868 alleles (0.0029%); highest among the groups gnomAD compares: Middle Eastern, 0.12%; no homozygotes.

Submission:

PreventionGenetics, part of Exact Sciences
Classification: Likely benign for PMFBP1-related condition. Last evaluated: 2019-05-24. Review status: no assertion criteria provided. Collection method: clinical testing. Allele origin: germline.
Comment: This variant is classified as likely benign based on ACMG/AMP sequence variant interpretation guidelines (Richards et al. 2015 PMID: 25741868, with internal and published modifications).

NM_031293.3(PMFBP1):c.1113G>A (p.Lys371=)

Gene: PMFBP1 (polyamine modulated factor 1 binding protein 1; minus strand). Cytogenetic location: 16q22.2.
Variant type: single nucleotide variant.
Coding change: c.1113G>A on transcript NM_031293.3 (MANE Select); coding-DNA position 1113, G replaced by A.
Protein change: p.Lys371=; no amino-acid change (lysine 371 retained).
Molecular consequence: synonymous variant.
Genome position (GRCh38, 1-based): chr16:72,136,538, C>T on the plus strand (G>A on the coding strand, the complement: PMFBP1 is on the minus strand). VCF-style: chr16-72136538-C-T. GRCh37 (hg19) VCF-style: chr16-72170437-C-T.
Other names: c.678G>A, p.Lys226= (NM_001160213.2).
Identifiers: ClinVar variation 3038483 (VCV003038483.2), dbSNP rs754241357, ClinGen allele CA8161762.